The following is an entry in ClinVar:

ClinVar aggregate classification (germline): Conflicting classifications of pathogenicity. Review status: criteria provided, conflicting classifications (1 of 4 stars). 2 submissions from 2 submitters: Uncertain significance (1); Likely benign (1). Last evaluated 2025-05-07.

Conditions:
Inborn genetic diseases. Identifiers: MedGen C0950123, MeSH D030342.

Allele frequency attached by ClinVar (database versions not stated): gnomAD 0.00001; TOPMed 0.00001; ExAC 0.00008.
gnomAD v4.1: 63 of 1,613,468 alleles (0.0039%); highest among the groups gnomAD compares: South Asian, 0.04%; 1 homozygote.

Submissions (2):

Ambry Genetics
Classification: Likely benign for Inborn genetic diseases. Last evaluated: 2025-05-07. Review status: criteria provided, single submitter. Criteria: Ambry Variant Classification Scheme 2023. Collection method: clinical testing. Allele origin: germline.

GeneDx
Classification: Uncertain significance. Last evaluated: 2023-01-18. Review status: criteria provided, single submitter. Criteria: GeneDx Variant Classification Process June 2021. Collection method: clinical testing. Allele origin: germline. Affected: yes.
Comment: In silico analysis supports that this missense variant does not alter protein structure/function; Has not been previously published as pathogenic or benign to our knowledge

NM_001376571.1(MADD):c.2408A>G (p.Asn803Ser)

Gene: MADD (MAP kinase activating death domain; plus strand). Cytogenetic location: 11p11.2.
Variant type: single nucleotide variant.
Coding change: c.2408A>G on transcript NM_001376571.1 (MANE Select); coding-DNA position 2408, A replaced by G.
Protein change: p.Asn803Ser; replaces asparagine 803 with serine.
Molecular consequence: missense variant. On other transcripts: non-coding transcript variant (5), intron variant (55).
Genome position (GRCh38, 1-based): chr11:47,285,191, A>G. VCF-style: chr11-47285191-A-G. GRCh37 (hg19) VCF-style: chr11-47306742-A-G.
Other names: c.2408A>G, p.Asn803Ser (NM_001376572.1, NM_001376573.1, NM_001376574.1 and 33 more transcripts); c.2204A>G, p.Asn735Ser (NM_001376620.1, NM_001376626.1, NM_001376648.1 and 1 more transcripts); c.1742A>G, p.Asn581Ser (NM_001376663.1); c.2282+126A>G (NM_001376651.1, NM_001376641.1, NM_001376595.1 and 43 more transcripts); c.2258+126A>G (NM_001376602.1); c.2078+126A>G (NM_001376627.1, NM_001376659.1, NM_001376635.1 and 5 more transcripts); short protein forms N581S, N735S, N803S.
Identifiers: ClinVar variation 2573670 (VCV002573670.2), dbSNP rs752065721, ClinGen allele CA5974424.
Genomic context (GRCh38, chr11:47,285,191, plus strand): 5'-AAGATGAGGATGAGCAGGGGGAAAGTTACACTCCCCGATTCAGCCAACATGTCAGTGGCA[A>G]TCGGTGAGAGCCTGGGCATCCCTTCTAGATGGGTGACTGAAGGACCTCACCTCAGTGGAC-3'
Protein context (NP_001363500.1, residues 793-813): TPRFSQHVSG[Asn803Ser]RAQKLLRPNS